The following is an entry in ClinVar:

ClinVar aggregate classification (germline): Uncertain significance (1 of 4 stars; one submission).

Conditions:
Neurodevelopmental disorder with or without hyperkinetic movements and seizures, autosomal dominant. Also called: Intellectual disability, autosomal dominant 8. Identifiers: MedGen C3280282, MONDO:0013655, OMIM 614254.

Submission:

Labcorp Genetics (formerly Invitae), Labcorp
Classification: Uncertain significance for Neurodevelopmental disorder with or without hyperkinetic movements and seizures, autosomal dominant. Last evaluated: 2025-02-15. Review status: criteria provided, single submitter. Criteria: Invitae Variant Classification Sherloc (09022015). Collection method: clinical testing. Allele origin: germline.
Comment: This sequence change replaces valine, which is neutral and non-polar, with leucine, which is neutral and non-polar, at codon 107 of the GRIN1 protein (p.Val107Leu). This variant is not present in population databases (gnomAD no frequency). This variant has not been reported in the literature in individuals affected with GRIN1-related conditions. Invitae Evidence Modeling of protein sequence and biophysical properties (such as structural, functional, and spatial information, amino acid conservation, physicochemical variation, residue mobility, and thermodynamic stability) indicates that this missense variant is not expected to disrupt GRIN1 protein function with a negative predictive value of 95%. In summary, the available evidence is currently insufficient to determine the role of this variant in disease. Therefore, it has been classified as a Variant of Uncertain Significance.

NM_007327.4(GRIN1):c.319G>C (p.Val107Leu)

Gene: GRIN1 (glutamate ionotropic receptor NMDA type subunit 1; plus strand). Cytogenetic location: 9q34.3.
Variant type: single nucleotide variant.
Coding change: c.319G>C on transcript NM_007327.4 (MANE Select); coding-DNA position 319, G replaced by C.
Protein change: p.Val107Leu; replaces valine 107 with leucine.
Molecular consequence: missense variant.
Genome position (GRCh38, 1-based): chr9:137,142,073, G>C. VCF-style: chr9-137142073-G-C. GRCh37 (hg19) VCF-style: chr9-140036525-G-C.
Other names: c.319G>C, p.Val107Leu (NM_000832.7, NM_001185090.2, NM_001185091.2 and 3 more transcripts); short protein forms V107L.
Identifiers: ClinVar variation 4747292 (VCV004747292.1).
Genomic context (GRCh38, chr9:137,142,073, plus strand): 5'-GTCTACGCCATCCTAGTTAGCCATCCACCTACCCCCAACGACCACTTCACTCCCACCCCT[G>C]TCTCCTACACAGCCGGCTTCTACCGCATACCCGTGCTGGGGCTGACCACCCGCATGTCCA-3'
Protein context (NP_015566.1, residues 97-117): TPNDHFTPTP[Val107Leu]SYTAGFYRIP